The following is an entry in ClinVar:

NM_006648.4(WNK2):c.5366G>A (p.Arg1789Gln)

Gene: WNK2 (WNK lysine deficient protein kinase 2; plus strand). Cytogenetic location: 9q22.31.
Variant type: single nucleotide variant.
Coding change: c.5366G>A on transcript NM_006648.4 (MANE Select); coding-DNA position 5366, G replaced by A.
Protein change: p.Arg1789Gln; replaces arginine 1789 with glutamine.
Molecular consequence: missense variant.
Genome position (GRCh38, 1-based): chr9:93,292,831, G>A. VCF-style: chr9-93292831-G-A. GRCh37 (hg19) VCF-style: chr9-96055113-G-A.
Other names: c.5477G>A, p.Arg1826Gln (NM_001282394.3); short protein forms R1789Q, R1826Q.
Identifiers: ClinVar variation 3470146 (VCV003470146.1).

ClinVar aggregate classification (germline): Uncertain significance (1 of 4 stars; one submission).

gnomAD v4.1: 27 of 1,509,562 alleles (0.0018%); highest among the groups gnomAD compares: East Asian, 0.0074%; no homozygotes.

Submission:

Ambry Genetics
Classification: Uncertain significance. Last evaluated: 2024-11-17. Review status: criteria provided, single submitter. Criteria: Ambry Variant Classification Scheme 2023. Collection method: clinical testing. Allele origin: germline.
Comment: The p.R1789Q variant (also known as c.5366G>A), located in coding exon 22 of the WNK2 gene, results from a G to A substitution at nucleotide position 5366. The arginine at codon 1789 is replaced by glutamine, an amino acid with highly similar properties. This amino acid position is conserved. In addition, this alteration is predicted to be tolerated by in silico analysis. Based on the available evidence, the clinical significance of this variant remains unclear.